The following is an entry in ClinVar:

ClinVar aggregate classification (germline): Uncertain significance (1 of 4 stars; one submission).

Submission:

GeneDx
Classification: Uncertain significance. Last evaluated: 2024-08-29. Review status: criteria provided, single submitter. Criteria: GeneDx Variant Classification Process June 2021. Collection method: clinical testing. Allele origin: germline. Affected: yes.
Comment: Not observed at significant frequency in large population cohorts (gnomAD); In silico analysis supports that this missense variant has a deleterious effect on protein structure/function; Has not been previously published as pathogenic or benign to our knowledge

NM_181672.3(OGT):c.1013G>A (p.Arg338Gln)

Gene: OGT (O-linked N-acetylglucosamine (GlcNAc) transferase; plus strand). Cytogenetic location: Xq13.1.
Variant type: single nucleotide variant.
Coding change: c.1013G>A on transcript NM_181672.3 (MANE Select); coding-DNA position 1013, G replaced by A.
Protein change: p.Arg338Gln; replaces arginine 338 with glutamine.
Molecular consequence: missense variant.
Genome position (GRCh38, 1-based): chrX:71,556,042, G>A. VCF-style: chrX-71556042-G-A. GRCh37 (hg19) VCF-style: chrX-70775892-G-A.
Other names: c.983G>A, p.Arg328Gln (NM_181673.3); short protein forms R328Q, R338Q.
Identifiers: ClinVar variation 3766359 (VCV003766359.1).
Genomic context (GRCh38, chrX:71,556,042, plus strand): 5'-CAGCTCTCCGTCTGTGTCCCACCCATGCAGACTCTCTGAATAACCTAGCCAATATCAAAC[G>A]AGAACAGGGAAACATTGAAGAGGCAGTTCGCTTGTATCGTAAAGCATTAGAAGTATGTGA-3'
Protein context (NP_858058.1, residues 328-348): DSLNNLANIK[Arg338Gln]EQGNIEEAVR